The following is an entry in ClinVar:

ClinVar aggregate classification (germline): Uncertain significance (1 of 4 stars; one submission).

Conditions:
Neuropathy, hereditary motor and sensory, type 6B (HMSN6B). Also called: NEUROPATHY, HEREDITARY MOTOR AND SENSORY, TYPE VIB, WITH OPTIC ATROPHY; Neuropathy, hereditary motor and sensory, type VIB; HMSN VIB; CHARCOT-MARIE-TOOTH DISEASE, TYPE 6B. Identifiers: MedGen C4225302, MONDO:0014671, OMIM 616505.

Allele frequency attached by ClinVar (database versions not stated): TOPMed 0.00001.
gnomAD v4.1: 1 of 1,548,066 alleles (0.000065%); highest among the groups gnomAD compares: Non-Finnish European, 0.000087%; no homozygotes.

Submission:

Labcorp Genetics (formerly Invitae), Labcorp
Classification: Uncertain significance for Neuropathy, hereditary motor and sensory, type 6B. Last evaluated: 2021-10-28. Review status: criteria provided, single submitter. Criteria: Invitae Variant Classification Sherloc (09022015). Collection method: clinical testing. Allele origin: germline.
Comment: In summary, the available evidence is currently insufficient to determine the role of this variant in disease. Therefore, it has been classified as a Variant of Uncertain Significance. Algorithms developed to predict the effect of missense changes on protein structure and function are either unavailable or do not agree on the potential impact of this missense change (SIFT: "Tolerated"; PolyPhen-2: "Probably Damaging"; Align-GVGD: "Class C0"). This variant has not been reported in the literature in individuals affected with SLC25A46-related conditions. This variant is not present in population databases (gnomAD no frequency). This sequence change replaces arginine, which is basic and polar, with leucine, which is neutral and non-polar, at codon 5 of the SLC25A46 protein (p.Arg5Leu).

NM_138773.4(SLC25A46):c.14G>T (p.Arg5Leu)

Gene: SLC25A46 (solute carrier family 25 member 46; plus strand). Cytogenetic location: 5q22.1.
Variant type: single nucleotide variant.
Coding change: c.14G>T on transcript NM_138773.4 (MANE Select); coding-DNA position 14, G replaced by T.
Protein change: p.Arg5Leu; replaces arginine 5 with leucine.
Molecular consequence: missense variant. On other transcripts: non-coding transcript variant (1), intron variant (1).
Genome position (GRCh38, 1-based): chr5:110,739,133, G>T. VCF-style: chr5-110739133-G-T. GRCh37 (hg19) VCF-style: chr5-110074834-G-T.
Other names: c.14G>T, p.Arg5Leu (NM_001303249.3); c.10+886G>T (NM_001303250.3); short protein forms R5L.
Identifiers: ClinVar variation 1390881 (VCV001390881.5), dbSNP rs1272997827, ClinGen allele CA360692966.
Genomic context (GRCh38, chr5:110,739,133, plus strand): 5'-GTGGTGGTGGGCTCCGGGCGGGCTCGCGTCATCCTGCCCCCGCTGCGATGCATCCGCGGC[G>T]CCCGGACGGATTTGATGGCTTGGGCTACCGGGGTGGTGCCCGGGACGAGCAGGGCTTTGG-3'
Protein context (NP_620128.1, residues 1-15): MHPR[Arg5Leu]PDGFDGLGYR